The following is an entry in ClinVar:

ClinVar aggregate classification (germline): Uncertain significance (1 of 4 stars; one submission).

Submission:

Ambry Genetics
Classification: Uncertain significance. Last evaluated: 2024-11-17. Review status: criteria provided, single submitter. Criteria: Ambry Variant Classification Scheme 2023. Collection method: clinical testing. Allele origin: germline.
Comment: The p.L1223F variant (also known as c.3669A>C), located in coding exon 23 of the MYOM1 gene, results from an A to C substitution at nucleotide position 3669. The leucine at codon 1223 is replaced by phenylalanine, an amino acid with highly similar properties. This amino acid position is conserved. In addition, this alteration is predicted to be tolerated by in silico analysis. Based on the available evidence, the clinical significance of this variant remains unclear.

NM_003803.4(MYOM1):c.3669A>C (p.Leu1223Phe)

Gene: MYOM1 (myomesin 1; minus strand). Cytogenetic location: 18p11.31.
Variant type: single nucleotide variant.
Coding change: c.3669A>C on transcript NM_003803.4 (MANE Select); coding-DNA position 3669, A replaced by C.
Protein change: p.Leu1223Phe; replaces leucine 1223 with phenylalanine.
Molecular consequence: missense variant.
Genome position (GRCh38, 1-based): chr18:3,100,333, T>G on the plus strand (A>C on the coding strand, the complement: MYOM1 is on the minus strand). VCF-style: chr18-3100333-T-G. GRCh37 (hg19) VCF-style: chr18-3100331-T-G.
Other names: c.3381A>C, p.Leu1127Phe (NM_019856.2); short protein forms L1127F, L1223F.
Identifiers: ClinVar variation 3401868 (VCV003401868.1).
Genomic context (GRCh38, chr18:3,100,333, plus strand): 5'-AATTCAAAGCAACATTCGATGTGTGAATGCACTGATTTTAAACTTACCTTCCTCATCTAT[T>G]AAGTAGCTTGATGCTATTCCATCAGTGTCTGTTACATCGCAAGAGTAAATACCCAAGTCA-3'
Protein context (NP_003794.3, residues 1213-1233): TDTDGIASSY[Leu1223Phe]IDEEELKRLL